The following is an entry in ClinVar:

ClinVar aggregate classification (germline): Uncertain significance (1 of 4 stars; one submission).

Conditions:
Limb-girdle muscular dystrophy due to POMK deficiency. Also called: Muscular dystrophy-dystroglycanopathy (limb-girdle), type c, 12; MUSCULAR DYSTROPHY-DYSTROGLYCANOPATHY, LIMB-GIRDLE, POMK-RELATED. Identifiers: Orphanet 445110, MedGen C4015184, MONDO:0014489, OMIM 616094.
Muscular dystrophy-dystroglycanopathy (congenital with brain and eye anomalies), type a, 12 (MDDGA12). Also called: WALKER-WARBURG SYNDROME OR MUSCLE-EYE-BRAIN DISEASE, POMK-RELATED. Identifiers: Orphanet 899, MedGen C3808964, MONDO:0014101, OMIM 615249.

Allele frequency attached by ClinVar (database versions not stated): gnomAD exomes below 0.00001; TOPMed below 0.00001.
gnomAD v4.1: 1 of 1,614,144 alleles (0.000062%); highest among the groups gnomAD compares: Non-Finnish European, 0.000085%; no homozygotes.

Submission:

Labcorp Genetics (formerly Invitae), Labcorp
Classification: Uncertain significance for Muscular dystrophy-dystroglycanopathy (congenital with brain and eye anomalies), type a, 12; Limb-girdle muscular dystrophy due to POMK deficiency. Last evaluated: 2022-01-03. Review status: criteria provided, single submitter. Criteria: Invitae Variant Classification Sherloc (09022015). Collection method: clinical testing. Allele origin: germline.
Comment: In summary, the available evidence is currently insufficient to determine the role of this variant in disease. Therefore, it has been classified as a Variant of Uncertain Significance. This sequence change replaces proline, which is neutral and non-polar, with serine, which is neutral and polar, at codon 52 of the POMK protein (p.Pro52Ser). This variant is not present in population databases (gnomAD no frequency). This variant has not been reported in the literature in individuals affected with POMK-related conditions. Algorithms developed to predict the effect of missense changes on protein structure and function output the following: SIFT: "Tolerated"; PolyPhen-2: "Benign"; Align-GVGD: "Class C0". The serine amino acid residue is found in multiple mammalian species, which suggests that this missense change does not adversely affect protein function.

NM_032237.5(POMK):c.154C>T (p.Pro52Ser)

Gene: POMK (protein O-mannose kinase; plus strand). Cytogenetic location: 8p11.21.
Variant type: single nucleotide variant.
Coding change: c.154C>T on transcript NM_032237.5 (MANE Select); coding-DNA position 154, C replaced by T.
Protein change: p.Pro52Ser; replaces proline 52 with serine.
Molecular consequence: missense variant.
Genome position (GRCh38, 1-based): chr8:43,103,702, C>T. VCF-style: chr8-43103702-C-T. GRCh37 (hg19) VCF-style: chr8-42958845-C-T.
Other names: c.154C>T, p.Pro52Ser (NM_001277971.2); short protein forms P52S.
Identifiers: ClinVar variation 1960878 (VCV001960878.5), dbSNP rs1811491419, ClinGen allele CA371117263.